The following is an entry in ClinVar:

NM_176787.5(PIGN):c.2577C>A (p.Ser859Arg)

Gene: PIGN (phosphatidylinositol glycan anchor biosynthesis class N; minus strand). Cytogenetic location: 18q21.33.
Variant type: single nucleotide variant.
Coding change: c.2577C>A on transcript NM_176787.5 (MANE Select); coding-DNA position 2577, C replaced by A.
Protein change: p.Ser859Arg; replaces serine 859 with arginine.
Molecular consequence: missense variant.
Genome position (GRCh38, 1-based): chr18:62,074,821, G>T on the plus strand (C>A on the coding strand, the complement: PIGN is on the minus strand). VCF-style: chr18-62074821-G-T. GRCh37 (hg19) VCF-style: chr18-59742054-G-T.
Other names: c.2577C>A, p.Ser859Arg (NM_012327.6); short protein forms S859R.
Identifiers: ClinVar variation 647228 (VCV000647228.7), dbSNP rs545600957, ClinGen allele CA402723629.

ClinVar aggregate classification (germline): Uncertain significance. Review status: criteria provided, multiple submitters, no conflicts (2 of 4 stars). 2 submissions from 2 submitters: Uncertain significance (2). Last evaluated 2025-06-07.

Conditions:
Inborn genetic diseases. Identifiers: MedGen C0950123, MeSH D030342.
Multiple congenital anomalies-hypotonia-seizures syndrome 1 (MCAHS1). Also called: PIGN-CDG; Congenital disorder of glycosylation due to PIGN deficiency; GLYCOSYLPHOSPHATIDYLINOSITOL BIOSYNTHESIS DEFECT 3. Identifiers: Orphanet 280633, MedGen C3279775, MONDO:0013563, OMIM 614080.

Allele frequency attached by ClinVar (database versions not stated): TOPMed 0.00001.
gnomAD v4.1: 6 of 1,602,576 alleles (0.00037%); highest among the groups gnomAD compares: East Asian, 0.009%; no homozygotes.

Submissions (2):

Ambry Genetics
Classification: Uncertain significance for Inborn genetic diseases. Last evaluated: 2025-06-07. Review status: criteria provided, single submitter. Criteria: Ambry Variant Classification Scheme 2023. Collection method: clinical testing. Allele origin: germline.

Labcorp Genetics (formerly Invitae), Labcorp
Classification: Uncertain significance for Multiple congenital anomalies-hypotonia-seizures syndrome 1. Last evaluated: 2021-09-01. Review status: criteria provided, single submitter. Criteria: Invitae Variant Classification Sherloc (09022015). Collection method: clinical testing. Allele origin: germline.
Comment: This sequence change replaces serine with arginine at codon 859 of the PIGN protein (p.Ser859Arg). The serine residue is moderately conserved and there is a moderate physicochemical difference between serine and arginine. This variant is not present in population databases (ExAC no frequency). This variant has not been reported in the literature in individuals affected with PIGN-related conditions. Algorithms developed to predict the effect of missense changes on protein structure and function (SIFT, PolyPhen-2, Align-GVGD) all suggest that this variant is likely to be tolerated. In summary, the available evidence is currently insufficient to determine the role of this variant in disease. Therefore, it has been classified as a Variant of Uncertain Significance.